The following is an entry in ClinVar:

ClinVar aggregate classification (germline): Likely benign (0 of 4 stars; one submission).

Conditions:
RECQL5-related disorder. Also called: RECQL5-related condition.

Submission:

PreventionGenetics, part of Exact Sciences
Classification: Likely benign for RECQL5-related condition. Last evaluated: 2023-04-11. Review status: no assertion criteria provided. Collection method: clinical testing. Allele origin: germline.
Comment: This variant is classified as likely benign based on ACMG/AMP sequence variant interpretation guidelines (Richards et al. 2015 PMID: 25741868, with internal and published modifications).

NM_004259.7(RECQL5):c.1529_1534del (p.Lys510_Gln511del)

Gene: RECQL5 (RecQ like helicase 5; minus strand). Cytogenetic location: 17q25.1.
Variant type: Deletion.
Coding change: c.1529_1534del on transcript NM_004259.7 (MANE Select); coding-DNA positions 1529 to 1534, 6 bases deleted (AGCAGA; older notation c.1529_1534delAGCAGA).
Protein change: p.Lys510_Gln511del.
Genome position (GRCh38, 1-based): chr17:75,631,164-75,631,169, TCTGCT deleted on the plus strand (AGCAGA on the coding strand, the reverse complement: RECQL5 is on the minus strand); deleting any 6 consecutive bases within chr17:75,631,164-75,631,173 gives the same sequence; the c. name uses the placement nearest the transcript's 3' end. VCF-style (leftmost placement, unchanged base first): chr17-75631163-ATCTGCT-A. GRCh37 (hg19) VCF-style: chr17-73627243-ATCTGCT-A.
Identifiers: ClinVar variation 3036465 (VCV003036465.2), dbSNP rs752563208, ClinGen allele CA8767480.
Genomic context (GRCh38, chr17:75,631,163, plus strand): 5'-GGGGGCCACCAGGGGCCCCACACAGGCCACTGAGTGCCTCCCCTCACCTTGCGCAGCTGC[ATCTGCT>A]TCTGATAGAAGAGGTTCCACTCCCGCTTGTGGGCCTCATCTCTGCCTTCATCCCCGCTGC-3'